The following is an entry in ClinVar:

NM_000551.4(VHL):c.340+628C>T

Genes: VHL (von Hippel-Lindau tumor suppressor; plus strand), LOC107303340 (3p25 von Hippel-Lindau tumor suppressor, E3 ubiquitin protein ligase Alu-mediated recombination region; plus strand). Cytogenetic location: 3p25.3.
Variant type: single nucleotide variant.
Coding change: c.340+628C>T on transcript NM_000551.4 (MANE Select); 628 bases into the intron after coding-DNA position 340, C replaced by T.
Molecular consequence: intron variant. On other transcripts: synonymous variant (1), non-coding transcript variant (1).
Genome position (GRCh38, 1-based): chr3:10,142,815, C>T. VCF-style: chr3-10142815-C-T. GRCh37 (hg19) VCF-style: chr3-10184499-C-T.
Other names: c.393C>T, p.Asn131= (NM_001354723.2); c.340+628C>T (NM_198156.3).
Identifiers: ClinVar variation 2942953 (VCV002942953.3), dbSNP rs2470159961, ClinGen allele CA2664401655.

ClinVar aggregate classification (germline): Uncertain significance (1 of 4 stars; one submission).

Conditions:
Chuvash polycythemia. Also called: POLYCYTHEMIA, VHL-DEPENDENT. Identifiers: Orphanet 238557, MedGen C1837915, MONDO:0009892, OMIM 263400.
Von Hippel-Lindau syndrome (VHLS). Also called: von Hippel–Lindau syndrome; VHL syndrome; Von Hippel-Lindau. Identifiers: Orphanet 892, MedGen C0019562, MONDO:0008667, OMIM 193300. Disease mechanism: loss of function.

Submission:

Labcorp Genetics (formerly Invitae), Labcorp
Classification: Uncertain significance for Von Hippel-Lindau syndrome; Chuvash polycythemia. Last evaluated: 2023-01-05. Review status: criteria provided, single submitter. Criteria: Invitae Variant Classification Sherloc (09022015). Collection method: clinical testing. Allele origin: germline.
Comment: This sequence change falls in intron 1 of the VHL gene. It is not expected to change the encoded amino acid sequence of the VHL protein. However, this sequence change falls within a cryptic exon in the VHL gene, known as exon E1’, which is naturally expressed at low levels in several human tissues (PMID: 29891534). In summary, the available evidence is currently insufficient to determine the role of this variant in disease. Therefore, it has been classified as a Variant of Uncertain Significance. Algorithms developed to predict the effect of sequence changes on RNA splicing suggest that this variant is not likely to affect RNA splicing. Experimental studies and prediction algorithms are not available or were not evaluated, and the functional significance of this variant is currently unknown. This variant has not been reported in the literature in individuals affected with VHL-related conditions. This variant is not present in population databases (gnomAD no frequency).

Literature cited by the submitters: PubMed 29891534.